The following is an entry in ClinVar:

NM_000038.6(APC):c.3650A>C (p.Asn1217Thr)

Gene: APC (APC regulator of Wnt signaling pathway; plus strand). Cytogenetic location: 5q22.2.
Variant type: single nucleotide variant.
Coding change: c.3650A>C on transcript NM_000038.6 (MANE Select); coding-DNA position 3650, A replaced by C.
Protein change: p.Asn1217Thr; replaces asparagine 1217 with threonine.
Molecular consequence: missense variant.
Genome position (GRCh38, 1-based): chr5:112,839,244, A>C. VCF-style: chr5-112839244-A-C. GRCh37 (hg19) VCF-style: chr5-112174941-A-C.
Other names: c.3650A>C, p.Asn1217Thr (NM_001127510.3, NM_001354895.2); c.3596A>C, p.Asn1199Thr (NM_001127511.3); c.3704A>C, p.Asn1235Thr (NM_001354896.2); c.3680A>C, p.Asn1227Thr (NM_001354897.2); c.3575A>C, p.Asn1192Thr (NM_001354898.2); c.3566A>C, p.Asn1189Thr (NM_001354899.2); c.3527A>C, p.Asn1176Thr (NM_001354900.2); c.3473A>C, p.Asn1158Thr (NM_001354901.2); and 5 more; short protein forms N1199T, N1217T, N1057T, N1091T, N1126T, N1176T, N1192T, N1227T.
Identifiers: ClinVar variation 133509 (VCV000133509.31), dbSNP rs138933660, ClinGen allele CA008605.
Genomic context (GRCh38, chr5:112,839,244, plus strand): 5'-TCTCAAAGAGTTCATCTGGACAAAGCAGTAAAACCGAACATATGTCTTCAAGCAGTGAGA[A>C]TACGTCCACACCTTCATCTAATGCCAAGAGGCAGAATCAGCTCCATCCAAGTTCTGCACA-3'
Protein context (NP_000029.2, residues 1207-1227): KTEHMSSSSE[Asn1217Thr]TSTPSSNAKR

ClinVar aggregate classification (germline): Benign/Likely benign. Review status: criteria provided, multiple submitters, no conflicts (2 of 4 stars). 12 submissions from 12 submitters: Benign (4); Likely benign (6). 2 of the submissions do not count toward it. Last evaluated 2026-01-27.

Conditions:
Familial adenomatous polyposis 1 (FAP1). Also called: FAMILIAL ADENOMATOUS POLYPOSIS 1, ATTENUATED; POLYPOSIS, ADENOMATOUS INTESTINAL. Identifiers: MedGen C2713442, MONDO:0021056, OMIM 175100. Disease mechanism: loss of function.
Hereditary cancer-predisposing syndrome. Also called: Tumor predisposition; Hereditary neoplastic syndrome; Neoplastic Syndromes, Hereditary; Hereditary Cancer Syndrome. Identifiers: Orphanet 140162, MedGen C0027672, MeSH D009386, MONDO:0015356.

Allele frequency attached by ClinVar (database versions not stated): gnomAD exomes 0.00005 and 0.00020; ExAC 0.00023; ESP Exome Variant Server 0.00031; gnomAD 0.00036 and 0.00038; TOPMed 0.00038; 1000 Genomes Project 30x 0.00094; 1000 Genomes Project 0.00100.
gnomAD v4.1: 123 of 1,614,176 alleles (0.0076%); highest among the groups gnomAD compares: African/African-American, 0.15%; no homozygotes.

Submissions (12):

Labcorp Genetics (formerly Invitae), Labcorp
Classification: Benign for Familial adenomatous polyposis 1. Last evaluated: 2026-01-27. Review status: criteria provided, single submitter. Criteria: Invitae Variant Classification Sherloc (09022015). Collection method: clinical testing. Allele origin: germline.

Center for Genomic Medicine, Rigshospitalet, Copenhagen University Hospital
Classification: Benign. Last evaluated: 2025-03-04. Review status: criteria provided, single submitter. Criteria: ACMG Guidelines, 2015. Collection method: clinical testing. Allele origin: germline.

Color Diagnostics, LLC DBA Color Health
Classification: Benign for Hereditary cancer-predisposing syndrome. Last evaluated: 2024-09-19. Review status: criteria provided, single submitter. Criteria: ACMG Guidelines, 2015. Collection method: clinical testing. Allele origin: germline.

Myriad Genetics, Inc.
Classification: Likely benign for Familial adenomatous polyposis 1. Last evaluated: 2023-02-22. Review status: criteria provided, single submitter. Criteria: Myriad Autosomal Dominant, Autosomal Recessive and X-Linked Classification Criteria (2023). Collection method: clinical testing. Allele origin: unknown.
Comment: This variant is considered likely benign. This variant has been observed at a population frequency that is significantly greater than expected given the associated disease prevalence and penetrance.

Quest Diagnostics Nichols Institute San Juan Capistrano
Classification: Benign. Last evaluated: 2022-10-11. Review status: criteria provided, single submitter. Criteria: Quest Diagnostics criteria. Collection method: clinical testing. Allele origin: unknown.

Sema4
Classification: Likely benign for Hereditary cancer-predisposing syndrome. Last evaluated: 2021-03-02. Review status: criteria provided, single submitter. Criteria: Sema4 Curation Guidelines. Collection method: curation. Allele origin: germline.

GeneDx
Classification: Likely benign. Last evaluated: 2020-11-06. Review status: criteria provided, single submitter. Criteria: GeneDx Variant Classification Process June 2021. Collection method: clinical testing. Allele origin: germline. Affected: yes.
Comment: This variant is associated with the following publications: (PMID: 19506109, 24728327, 21567896, 27978560, 28873162)

Women's Health and Genetics/Laboratory Corporation of America, LabCorp
Classification: Likely benign. Last evaluated: 2020-09-28. Review status: criteria provided, single submitter. Criteria: LabCorp Variant Classification Summary - May 2015. Collection method: clinical testing. Allele origin: germline.
Comment: Variant summary: APC c.3650A>C (p.Asn1217Thr) results in a non-conservative amino acid change in the encoded protein sequence. Four of five in-silico tools predict a benign effect of the variant on protein function. The variant allele was found at a frequency of 0.0002 in 251760 control chromosomes, predominantly at a frequency of 0.0026 within the African or African-American subpopulation in the gnomAD database. The observed variant frequency within African or African-American control individuals in the gnomAD database is approximately 36 fold of the estimated maximal expected allele frequency for a pathogenic variant in APC causing Familial Adenomatous Polyposis phenotype (7.1e-05), strongly suggesting that the variant is a benign polymorphism found primarily in populations of African or African-American origin. The variant, c.3650A>C has been reported in the literature in an individual affected with cancer of cecum and also in breast cancer high-risk families. (Pearlman_2016, Bonache_2018) . However, this report does not provide unequivocal conclusions about association of the variant with Familial Adenomatous Polyposis. To our knowledge, no experimental evidence demonstrating an impact on protein function has been reported. Six other ClinVar submitters (evaluation after 2014) cite the variant as likely bening/benign (n=4) or uncertain significance (n=2). Based on the evidence outlined above, the variant was classified as likely benign.

PreventionGenetics, part of Exact Sciences
Classification: Likely benign. Last evaluated: 2019-10-08. Review status: criteria provided, single submitter. Criteria: ACMG Guidelines, 2015. Collection method: clinical testing. Allele origin: germline.

Ambry Genetics
Classification: Likely benign for Hereditary cancer-predisposing syndrome. Last evaluated: 2019-03-06. Review status: criteria provided, single submitter. Criteria: Ambry Variant Classification Scheme 2023. Collection method: clinical testing. Allele origin: germline.

Counsyl
Classification: Uncertain significance for Familial adenomatous polyposis 1. Last evaluated: 2015-12-22. Review status: no assertion criteria provided. Collection method: clinical testing. Allele origin: unknown. Not counted in ClinVar's aggregate classification.

ITMI
No classification provided. Condition: AllHighlyPenetrant. Last evaluated: 2013-09-19. Review status: no classification provided. Collection method: reference population. Allele origin: germline. Not counted in ClinVar's aggregate classification.
Comment: Please see associated publication for description of ethnicities

Literature cited by the submitters: PubMed 24728327 (cited by 4 submitters); PubMed 19506109 (cited by Women's Health and Genetics/Laboratory Corporation of America, LabCorp); PubMed 27978560 (cited by Women's Health and Genetics/Laboratory Corporation of America, LabCorp); PubMed 30306255 (cited by Women's Health and Genetics/Laboratory Corporation of America, LabCorp).